The following is an entry in ClinVar:

NM_001163435.3(TBCK):c.1170+1G>A

Gene: TBCK (TBC1 domain containing kinase; minus strand). Cytogenetic location: 4q24.
Variant type: single nucleotide variant.
Coding change: c.1170+1G>A on transcript NM_001163435.3 (MANE Select); the canonical splice donor site of the intron after coding-DNA position 1170, G replaced by A.
Molecular consequence: splice donor variant.
Genome position (GRCh38, 1-based): chr4:106,242,469, C>T on the plus strand (G>A on the coding strand, the complement: TBCK is on the minus strand). VCF-style: chr4-106242469-C-T. GRCh37 (hg19) VCF-style: chr4-107163626-C-T.
Other names: c.1170+1G>A (NM_001163436.4); c.981+1G>A (NM_033115.5); c.1053+1G>A (NM_001163437.3); c.654+1G>A (NM_001290768.2).
Identifiers: ClinVar variation 974885 (VCV000974885.2), dbSNP rs765407874, ClinGen allele CA357823533.

ClinVar aggregate classification (germline): Pathogenic/Likely pathogenic. Review status: criteria provided, multiple submitters, no conflicts (2 of 4 stars). 2 submissions from 2 submitters: Pathogenic (1); Likely pathogenic (1). Last evaluated 2025-01-14.

Conditions:
Hypotonia, infantile, with psychomotor retardation and characteristic facies 3 (IHPRF3). Also called: TBCK-Related Neurodevelopmental Disorder. Identifiers: Orphanet 488632, MedGen C5567480, MONDO:0014823, OMIM 616900.

Allele frequency attached by ClinVar (database versions not stated): TOPMed below 0.00001.
gnomAD v4.1: 7 of 1,593,048 alleles (0.00044%); highest among the groups gnomAD compares: Non-Finnish European, 0.0006%; no homozygotes.

Submissions (2):

Broad Center for Mendelian Genomics, Broad Institute of MIT and Harvard
Classification: Pathogenic for Hypotonia, infantile, with psychomotor retardation and characteristic facies 3. Last evaluated: 2025-01-14. Review status: criteria provided, single submitter. Criteria: ACMG Guidelines, 2015. Collection method: curation. Allele origin: germline. Inheritance: Autosomal recessive inheritance.
Comment: The c.1170+1G>A variant has been reported, in the homozygous state, in 1 individual with TBCK-related intellectual disability syndrome (PMID: 32860008), and has been identified in 0.0006% (7/1170962) of European (non-Finnish) chromosomes by the Genome Aggregation Database (gnomAD; dbSNP rs765407874). Although this variant has been seen in the general population in a heterozygous state, its frequency is low enough to be consistent with a recessive carrier frequency. This variant is located in the 3' splice region. Computational tools predict a splicing impact, though this information is not predictive enough to determine pathogenicity. Loss of function of the TBCK gene is an established disease mechanism in autosomal recessive TBCK-related intellectual disability syndrome. In summary, this variant meets criteria to be classified as pathogenic for autosomal recessive TBCK-related intellectual disability syndrome. ACMG/AMP Criteria applied: PVS1, PM2_supporting, PM3_supporting (Richards 2015).

CENTOGENE GmbH and LLC - Guiding Precision Medicine
Classification: Likely pathogenic for Hypotonia, infantile, with psychomotor retardation and characteristic facies 3. Review status: criteria provided, single submitter. Criteria: ACMG Guidelines, 2015. Collection method: clinical testing. Allele origin: germline. Affected: yes.

Literature cited by the submitters: PubMed 32860008 (cited by CENTOGENE GmbH and LLC - Guiding Precision Medicine).